The following is an entry in ClinVar:

ClinVar aggregate classification (germline): Likely benign. Review status: criteria provided, multiple submitters, no conflicts (2 of 4 stars). 2 submissions from 2 submitters: Likely benign (2). Last evaluated 2025-10-01.

Submissions (2):

CeGaT Center for Human Genetics Tuebingen
Classification: Likely benign. Last evaluated: 2025-10-01. Review status: criteria provided, single submitter. Criteria: CeGaT Center For Human Genetics Tuebingen Variant Classification Criteria Version 2. Collection method: clinical testing. Allele origin: germline. Affected: yes. Observed: 3 variant alleles.
Comment: SMG8: BP4, BP7

Blueprint Genetics
Classification: Likely benign. Last evaluated: 2024-10-30. Review status: criteria provided, single submitter. Criteria: ACMG Guidelines, 2015. Collection method: clinical testing. Allele origin: germline.

NM_018149.7(SMG8):c.255T>C (p.Pro85=)

Gene: SMG8 (SMG8 nonsense mediated mRNA decay factor; plus strand). Cytogenetic location: 17q22.
Variant type: single nucleotide variant.
Coding change: c.255T>C on transcript NM_018149.7 (MANE Select); coding-DNA position 255, T replaced by C.
Protein change: p.Pro85=; no amino-acid change (proline 85 retained).
Molecular consequence: synonymous variant.
Genome position (GRCh38, 1-based): chr17:59,210,306, T>C. VCF-style: chr17-59210306-T-C. GRCh37 (hg19) VCF-style: chr17-57287667-T-C.
Identifiers: ClinVar variation 4083860 (VCV004083860.9).